The following is an entry in ClinVar:

NM_000160.5(GCGR):c.1372G>C (p.Asp458His)

Gene: GCGR (glucagon receptor; plus strand). Cytogenetic location: 17q25.3.
Variant type: single nucleotide variant.
Coding change: c.1372G>C on transcript NM_000160.5 (MANE Select); coding-DNA position 1372, G replaced by C.
Protein change: p.Asp458His; replaces aspartic acid 458 with histidine.
Molecular consequence: missense variant.
Genome position (GRCh38, 1-based): chr17:81,813,627, G>C. VCF-style: chr17-81813627-G-C. GRCh37 (hg19) VCF-style: chr17-79771503-G-C.
Other names: short protein forms D458H.
Identifiers: ClinVar variation 784371 (VCV000784371.14), dbSNP rs138492107, ClinGen allele CA8842239.
Genomic context (GRCh38, chr17:81,813,627, plus strand): 5'-TCGCCCGGCCACGGCCCTCCCAGCAAGGAGCTGCAGTTTGGGAGGGGTGGTGGCAGCCAG[G>C]ATTCATCTGCGGAGACCCCCTTGGCTGGTGGCCTCCCTAGATTGGCTGAGAGCCCCTTCT-3'
Protein context (NP_000151.1, residues 448-468): LQFGRGGGSQ[Asp458His]SSAETPLAGG

ClinVar aggregate classification (germline): Benign/Likely benign. Review status: criteria provided, multiple submitters, no conflicts (2 of 4 stars). 3 submissions from 3 submitters: Benign (2); Likely benign (1). Last evaluated 2026-03-01.

Allele frequency attached by ClinVar (database versions not stated): gnomAD exomes 0.00117 and 0.00212; ExAC 0.00248; 1000 Genomes Project 30x 0.00375; gnomAD 0.00389 and 0.00414; 1000 Genomes Project 0.00419; TOPMed 0.00454.

Submissions (3):

CeGaT Center for Human Genetics Tuebingen
Classification: Likely benign. Last evaluated: 2026-03-01. Review status: criteria provided, single submitter. Criteria: CeGaT Center For Human Genetics Tuebingen Variant Classification Criteria Version 2. Collection method: clinical testing. Allele origin: germline. Affected: yes. Observed: 1 variant allele.
Comment: GCGR: BS1

Labcorp Genetics (formerly Invitae), Labcorp
Classification: Benign. Last evaluated: 2025-12-29. Review status: criteria provided, single submitter. Criteria: Invitae Variant Classification Sherloc (09022015). Collection method: clinical testing. Allele origin: germline.

Breakthrough Genomics
Classification: Benign. Review status: criteria provided, single submitter. Criteria: ACMG Guidelines, 2015. Collection method: not provided. Allele origin: germline. Inheritance: Autosomal recessive inheritance. Affected: yes.